The following is an entry in ClinVar:

NM_001375524.1(TRRAP):c.2797G>A (p.Ala933Thr)

Gene: TRRAP (transformation/transcription domain associated protein; plus strand). Cytogenetic location: 7q22.1.
Variant type: single nucleotide variant.
Coding change: c.2797G>A on transcript NM_001375524.1 (MANE Select); coding-DNA position 2797, G replaced by A.
Protein change: p.Ala933Thr; replaces alanine 933 with threonine.
Molecular consequence: missense variant.
Genome position (GRCh38, 1-based): chr7:98,921,927, G>A. VCF-style: chr7-98921927-G-A. GRCh37 (hg19) VCF-style: chr7-98519550-G-A.
Other names: c.2797G>A, p.Ala933Thr (NM_001244580.2, NM_003496.4); short protein forms A933T.
Identifiers: ClinVar variation 3730490 (VCV003730490.2).

ClinVar aggregate classification (germline): Uncertain significance (1 of 4 stars; one submission).

gnomAD v4.1: 1 of 1,614,250 alleles (0.000062%); highest among the groups gnomAD compares: East Asian, 0.0022%; no homozygotes.

Submission:

Labcorp Genetics (formerly Invitae), Labcorp
Classification: Uncertain significance. Last evaluated: 2024-11-24. Review status: criteria provided, single submitter. Criteria: Invitae Variant Classification Sherloc (09022015). Collection method: clinical testing. Allele origin: germline.
Comment: This sequence change replaces alanine, which is neutral and non-polar, with threonine, which is neutral and polar, at codon 933 of the TRRAP protein (p.Ala933Thr). This variant is present in population databases (no rsID available, gnomAD 0.006%). This variant has not been reported in the literature in individuals affected with TRRAP-related conditions. Invitae Evidence Modeling of protein sequence and biophysical properties (such as structural, functional, and spatial information, amino acid conservation, physicochemical variation, residue mobility, and thermodynamic stability) indicates that this missense variant is not expected to disrupt TRRAP protein function with a negative predictive value of 80%. In summary, the available evidence is currently insufficient to determine the role of this variant in disease. Therefore, it has been classified as a Variant of Uncertain Significance.